The following is an entry in ClinVar:

NM_153006.3(NAGS):c.1228T>C (p.Ser410Pro)

Gene: NAGS (N-acetylglutamate synthase; plus strand). Cytogenetic location: 17q21.31.
Variant type: single nucleotide variant.
Coding change: c.1228T>C on transcript NM_153006.3 (MANE Select); coding-DNA position 1228, T replaced by C.
Protein change: p.Ser410Pro; replaces serine 410 with proline.
Molecular consequence: missense variant.
Genome position (GRCh38, 1-based): chr17:44,007,454, T>C. VCF-style: chr17-44007454-T-C. GRCh37 (hg19) VCF-style: chr17-42084822-T-C.
Other names: short protein forms S410P.
Identifiers: ClinVar variation 2138046 (VCV002138046.5), dbSNP rs2509283438, ClinGen allele CA399727118.

ClinVar aggregate classification (germline): Pathogenic/Likely pathogenic. Review status: criteria provided, multiple submitters, no conflicts (2 of 4 stars). 4 submissions from 4 submitters: Pathogenic (1); Likely pathogenic (3). Last evaluated 2025-09-05.

Conditions:
Hyperammonemia, type III (NAGSD). Also called: Hyperammonemia due to N-acetylglutamate synthase deficiency. Identifiers: Orphanet 927, MedGen C0268543, MONDO:0009377, OMIM 237310.

Submissions (4):

Labcorp Genetics (formerly Invitae), Labcorp
Classification: Likely pathogenic for Hyperammonemia, type III. Last evaluated: 2025-09-05. Review status: criteria provided, single submitter. Criteria: Invitae Variant Classification Sherloc (09022015). Collection method: clinical testing. Allele origin: germline.
Comment: This sequence change replaces serine, which is neutral and polar, with proline, which is neutral and non-polar, at codon 410 of the NAGS protein (p.Ser410Pro). This variant is not present in population databases (gnomAD no frequency). This missense change has been observed in individuals with N-acetylglutamate synthase deficiency (PMID: 15878741, 27037498, 31575911). ClinVar contains an entry for this variant (Variation ID: 2138046). Invitae Evidence Modeling of protein sequence and biophysical properties (such as structural, functional, and spatial information, amino acid conservation, physicochemical variation, residue mobility, and thermodynamic stability) indicates that this missense variant is expected to disrupt NAGS protein function with a positive predictive value of 80%. Experimental studies have shown that this missense change affects NAGS function (PMID: 15878741). In summary, the currently available evidence indicates that the variant is pathogenic, but additional data are needed to prove that conclusively. Therefore, this variant has been classified as Likely Pathogenic.

Fulgent Genetics
Classification: Likely pathogenic for Hyperammonemia, type III. Last evaluated: 2024-04-22. Review status: criteria provided, single submitter. Criteria: ACMG Guidelines, 2015. Collection method: clinical testing. Allele origin: germline.

Women's Health and Genetics/Laboratory Corporation of America, LabCorp
Classification: Pathogenic for Hyperammonemia, type III. Last evaluated: 2024-04-20. Review status: criteria provided, single submitter. Criteria: LabCorp Variant Classification Summary - May 2015. Collection method: clinical testing. Allele origin: germline.
Comment: Variant summary: NAGS c.1228T>C (p.Ser410Pro) results in a non-conservative amino acid change located in the GNAT domain (IPR000182) of the encoded protein sequence. Four of five in-silico tools predict a damaging effect of the variant on protein function. The variant was absent in 249756 control chromosomes. c.1228T>C has been reported in the literature as a homozygous genotype in multiple individuals affected with Hyperammonemia, type III, N-acetyl-L-glutamate synthase deficiency (NAGSD) (example, Schmidt_2005, Sancho-Vaello_2016, Bower_2019). These data indicate that the variant is very likely to be associated with disease. At least one publication reports experimental evidence evaluating an impact on protein function (Schmidt_2005). The most pronounced variant effect results in <5% of normal enzyme activity in vitro that also reportedly correlates with the residual liver NAGS activity below 10% in a homozygous patient as described before, citing Guffon_1995. The following publications have been ascertained in the context of this evaluation (PMID: 31575911, 33309754, 27037498, 15878741). ClinVar contains an entry for this variant (Variation ID: 2138046). Based on the evidence outlined above, the variant was classified as pathogenic.

Baylor Genetics
Classification: Likely pathogenic for Hyperammonemia, type III. Last evaluated: 2023-12-21. Review status: criteria provided, single submitter. Criteria: ACMG Guidelines, 2015. Collection method: clinical testing. Allele origin: unknown.

Literature cited by the submitters: PubMed 15878741 (cited by Labcorp Genetics (formerly Invitae), Labcorp and Women's Health and Genetics/Laboratory Corporation of America, LabCorp); PubMed 27037498 (cited by Labcorp Genetics (formerly Invitae), Labcorp and Women's Health and Genetics/Laboratory Corporation of America, LabCorp); PubMed 31575911 (cited by Labcorp Genetics (formerly Invitae), Labcorp and Women's Health and Genetics/Laboratory Corporation of America, LabCorp); PubMed 33309754 (cited by Women's Health and Genetics/Laboratory Corporation of America, LabCorp).